The following is an entry in ClinVar:

ClinVar aggregate classification (germline): Pathogenic/Likely pathogenic. Review status: criteria provided, multiple submitters, no conflicts (2 of 4 stars). 2 submissions from 2 submitters: Pathogenic (1); Likely pathogenic (1). Last evaluated 2024-01-21.

Conditions:
Hearing impairment. Also called: Impaired Hearing. Identifiers: MedGen C1384666, MONDO:0005365, HP:0000365.
Bilateral sensorineural hearing impairment. Also called: Bilateral sensorineural hearing loss. Identifiers: MedGen C0452138, HP:0008619.

Submissions (2):

Labcorp Genetics (formerly Invitae), Labcorp
Classification: Pathogenic. Last evaluated: 2024-01-21. Review status: criteria provided, single submitter. Criteria: Invitae Variant Classification Sherloc (09022015). Collection method: clinical testing. Allele origin: germline.
Comment: This sequence change creates a premature translational stop signal (p.Trp778*) in the CDH23 gene. It is expected to result in an absent or disrupted protein product. Loss-of-function variants in CDH23 are known to be pathogenic (PMID: 11138009, 21940737). This variant is not present in population databases (gnomAD no frequency). This premature translational stop signal has been observed in individual(s) with deafness (PMID: 33205915). ClinVar contains an entry for this variant (Variation ID: 978271). For these reasons, this variant has been classified as Pathogenic.

Human Genetics Department, Tarbiat Modares University
Classification: Likely pathogenic for Bilateral sensorineural hearing impairment; Hearing impairment. Last evaluated: 2019-07-24. Review status: criteria provided, single submitter. Criteria: ACMG Guidelines, 2015. Collection method: case-control. Allele origin: inherited. Inheritance: Autosomal recessive inheritance. Affected: yes. Observed: 1 homozygote.
Comment: For example, fundus examinations did not show any macular changes in both eyes. To obtain medical history, the aforementioned questionnaire was also used. Also, no other visual complaints such as night blindness, visual field loss, and decrease in central vision were detected. Imaging investigations did not show any abnormalities in anatomical structures of each middle and inner ear.

Literature cited by the submitters: PubMed 11138009 (cited by Labcorp Genetics (formerly Invitae), Labcorp); PubMed 21940737 (cited by Labcorp Genetics (formerly Invitae), Labcorp); PubMed 33205915 (cited by Labcorp Genetics (formerly Invitae), Labcorp).

NM_022124.6(CDH23):c.2334G>A (p.Trp778Ter)

Gene: CDH23 (cadherin related 23; plus strand). Cytogenetic location: 10q22.1.
Variant type: single nucleotide variant.
Coding change: c.2334G>A on transcript NM_022124.6 (MANE Select); coding-DNA position 2334, G replaced by A.
Protein change: p.Trp778Ter; replaces tryptophan 778 with a stop codon.
Molecular consequence: nonsense.
Genome position (GRCh38, 1-based): chr10:71,695,462, G>A. VCF-style: chr10-71695462-G-A. GRCh37 (hg19) VCF-style: chr10-73455219-G-A.
Other names: c.2334G>A, p.Trp778Ter (NM_001171930.2, NM_001171931.2); short protein forms W778*.
Identifiers: ClinVar variation 978271 (VCV000978271.6), dbSNP rs868188730, ClinGen allele CA209446355.
Genomic context (GRCh38, chr10:71,695,462, plus strand): 5'-CCTTATGGCTTCACAGGTAAACATCACCCTCCTGGACATCAATGACAACCACCCCACGTG[G>A]AAGGACGCACCCTACTACATCAACCTGGTGGAGATGACCCCTCCAGACTCTGATGTGACC-3'